The following is an entry in ClinVar:

NM_001042750.2(STAG2):c.3607G>T (p.Asp1203Tyr)

Gene: STAG2 (STAG2 cohesin complex component; plus strand). Cytogenetic location: Xq25.
Variant type: single nucleotide variant.
Coding change: c.3607G>T on transcript NM_001042750.2 (MANE Select); coding-DNA position 3607, G replaced by T.
Protein change: p.Asp1203Tyr; replaces aspartic acid 1203 with tyrosine.
Molecular consequence: missense variant.
Genome position (GRCh38, 1-based): chrX:124,094,046, G>T. VCF-style: chrX-124094046-G-T. GRCh37 (hg19) VCF-style: chrX-123227896-G-T.
Other names: c.3607G>T, p.Asp1203Tyr (NM_001042749.2, NM_001375366.1, NM_001375367.1 and 5 more transcripts); c.3496G>T, p.Asp1166Tyr (NM_001042751.2, NM_001282418.2, NM_001375373.1 and 5 more transcripts); short protein forms D1166Y, D1203Y.
Identifiers: ClinVar variation 3724368 (VCV003724368.2).

ClinVar aggregate classification (germline): Uncertain significance (1 of 4 stars; one submission).

Submission:

Labcorp Genetics (formerly Invitae), Labcorp
Classification: Uncertain significance. Last evaluated: 2024-11-07. Review status: criteria provided, single submitter. Criteria: Invitae Variant Classification Sherloc (09022015). Collection method: clinical testing. Allele origin: germline.
Comment: This sequence change replaces aspartic acid, which is acidic and polar, with tyrosine, which is neutral and polar, at codon 1203 of the STAG2 protein (p.Asp1203Tyr). This variant is not present in population databases (gnomAD no frequency). This variant has not been reported in the literature in individuals affected with STAG2-related conditions. An algorithm developed to predict the effect of missense changes on protein structure and function (PolyPhen-2) suggests that this variant is likely to be disruptive. In summary, the available evidence is currently insufficient to determine the role of this variant in disease. Therefore, it has been classified as a Variant of Uncertain Significance.